The following is an entry in ClinVar:

ClinVar aggregate classification (germline): Uncertain significance (1 of 4 stars; one submission).

Conditions:
Hereditary cancer-predisposing syndrome. Also called: Tumor predisposition; Neoplastic Syndromes, Hereditary; Hereditary neoplastic syndrome; Hereditary Cancer Syndrome. Identifiers: Orphanet 140162, MedGen C0027672, MeSH D009386, MONDO:0015356.

Submission:

Ambry Genetics
Classification: Uncertain significance for Hereditary cancer-predisposing syndrome. Last evaluated: 2025-08-27. Review status: criteria provided, single submitter. Criteria: Ambry Variant Classification Scheme 2023. Collection method: clinical testing. Allele origin: germline.
Comment: The p.L431P variant (also known as c.1292T>C), located in coding exon 13 of the MUTYH gene, results from a T to C substitution at nucleotide position 1292. The leucine at codon 431 is replaced by proline, an amino acid with similar properties. This amino acid position is conserved. In addition, the in silico prediction for this alteration is inconclusive. Based on the available evidence, the clinical significance of this variant remains unclear.

NM_001048174.2(MUTYH):c.1208T>C (p.Leu403Pro)

Gene: MUTYH (mutY DNA glycosylase; minus strand). Cytogenetic location: 1p34.1.
Variant type: single nucleotide variant.
Coding change: c.1208T>C on transcript NM_001048174.2 (MANE Select); coding-DNA position 1208, T replaced by C.
Protein change: p.Leu403Pro; replaces leucine 403 with proline.
Molecular consequence: missense variant. On other transcripts: non-coding transcript variant (7).
Genome position (GRCh38, 1-based): chr1:45,331,451, A>G on the plus strand (T>C on the coding strand, the complement: MUTYH is on the minus strand). VCF-style: chr1-45331451-A-G. GRCh37 (hg19) VCF-style: chr1-45797123-A-G.
Other names: c.1211T>C, p.Leu404Pro (NM_001407078.1, NM_001407086.1, NM_001407071.1 and 1 more transcripts); c.1169T>C, p.Leu390Pro (NM_001407079.1); c.1166T>C, p.Leu389Pro (NM_001407080.1); c.1208T>C, p.Leu403Pro (NM_001407081.1, NM_001407088.1, NM_001407089.1 and 6 more transcripts); c.863T>C, p.Leu288Pro (NM_001407082.1, NM_001350650.2, NM_001350651.2); c.1250T>C, p.Leu417Pro (NM_001407083.1, NM_001407085.1); c.1229T>C, p.Leu410Pro (NM_001407087.1); c.932T>C, p.Leu311Pro (NM_001407091.1, NM_001293196.2, NM_001293192.2); and 5 more; short protein forms L404P, L311P, L389P, L414P, L417P, L418P, L428P, L390P.
Identifiers: ClinVar variation 4113155 (VCV004113155.1).